The following is an entry in ClinVar:

NM_001918.5(DBT):c.304C>T (p.Gln102Ter)

Gene: DBT (dihydrolipoamide branched chain transacylase E2; minus strand). Cytogenetic location: 1p21.2.
Variant type: single nucleotide variant.
Coding change: c.304C>T on transcript NM_001918.5 (MANE Select); coding-DNA position 304, C replaced by T.
Protein change: p.Gln102Ter; replaces glutamine 102 with a stop codon.
Molecular consequence: nonsense.
Genome position (GRCh38, 1-based): chr1:100,230,862, G>A on the plus strand (C>T on the coding strand, the complement: DBT is on the minus strand). VCF-style: chr1-100230862-G-A. GRCh37 (hg19) VCF-style: chr1-100696418-G-A.
Other names: short protein forms Q102*.
Identifiers: ClinVar variation 1458060 (VCV001458060.6), dbSNP rs2100827593, ClinGen allele CA341344354.

ClinVar aggregate classification (germline): Pathogenic (1 of 4 stars; one submission).

Conditions:
Maple syrup urine disease (MSUD). Identifiers: Orphanet 511, MedGen C0024776, MeSH D008375, MONDO:0009563. Disease mechanism: loss of function.

Submission:

Labcorp Genetics (formerly Invitae), Labcorp
Classification: Pathogenic for Maple syrup urine disease. Last evaluated: 2021-07-08. Review status: criteria provided, single submitter. Criteria: Invitae Variant Classification Sherloc (09022015). Collection method: clinical testing. Allele origin: germline.
Comment: For these reasons, this variant has been classified as Pathogenic. This variant has not been reported in the literature in individuals affected with DBT-related conditions. This variant is not present in population databases (ExAC no frequency). This sequence change creates a premature translational stop signal (p.Gln102*) in the DBT gene. It is expected to result in an absent or disrupted protein product. Loss-of-function variants in DBT are known to be pathogenic (PMID: 16579849, 16786533).

Literature cited by the submitters: PubMed 16579849; PubMed 16786533.